The following is an entry in ClinVar:

NM_007325.5(GRIA3):c.1080+6G>A

Gene: GRIA3 (glutamate ionotropic receptor AMPA type subunit 3; plus strand). Cytogenetic location: Xq25.
Variant type: single nucleotide variant.
Coding change: c.1080+6G>A on transcript NM_007325.5 (MANE Select); 6 bases into the intron after coding-DNA position 1080, G replaced by A.
Molecular consequence: intron variant.
Genome position (GRCh38, 1-based): chrX:123,398,809, G>A. VCF-style: chrX-123398809-G-A. GRCh37 (hg19) VCF-style: chrX-122532660-G-A.
Other names: c.1080+6G>A (NM_000828.5).
Identifiers: ClinVar variation 2711807 (VCV002711807.3), dbSNP rs369465589, ClinGen allele CA10506999.

ClinVar aggregate classification (germline): Uncertain significance (1 of 4 stars; one submission).

Allele frequency attached by ClinVar (database versions not stated): ExAC 0.00001; TOPMed 0.00001; ESP Exome Variant Server 0.00009.

Submission:

Labcorp Genetics (formerly Invitae), Labcorp
Classification: Uncertain significance. Last evaluated: 2023-12-17. Review status: criteria provided, single submitter. Criteria: Invitae Variant Classification Sherloc (09022015). Collection method: clinical testing. Allele origin: germline.
Comment: This sequence change falls in intron 7 of the GRIA3 gene. It does not directly change the encoded amino acid sequence of the GRIA3 protein. It affects a nucleotide within the consensus splice site. This variant is present in population databases (rs369465589, gnomAD 0.008%). This variant has been observed in individual(s) with clinical features of GRIA3-related conditions (Invitae). Variants that disrupt the consensus splice site are a relatively common cause of aberrant splicing (PMID: 17576681, 9536098). Algorithms developed to predict the effect of sequence changes on RNA splicing suggest that this variant is not likely to affect RNA splicing. In summary, the available evidence is currently insufficient to determine the role of this variant in disease. Therefore, it has been classified as a Variant of Uncertain Significance.

Literature cited by the submitters: PubMed 17576681; PubMed 9536098.